The following is an entry in ClinVar:

NM_004562.3(PRKN):c.971del (p.Val324fs)

Gene: PRKN (parkin RBR E3 ubiquitin protein ligase; minus strand). Cytogenetic location: 6q26.
Variant type: Deletion.
Coding change: c.971del on transcript NM_004562.3 (MANE Select); coding-DNA position 971, one base deleted (T; older notation c.971delT).
Protein change: p.Val324fs; shifts the reading frame from valine 324.
Molecular consequence: frameshift variant.
Genome position (GRCh38, 1-based): chr6:161,548,966, A deleted on the plus strand (T on the coding strand, the reverse complement: PRKN is on the minus strand). VCF-style (leftmost placement, unchanged base first): chr6-161548965-GA-G. GRCh37 (hg19) VCF-style: chr6-161969997-GA-G.
Other names: c.887del, p.Val296fs (NM_013987.3); c.524del, p.Val175fs (NM_013988.3); short protein forms V175fs, V296fs, V324fs.
Identifiers: ClinVar variation 1456905 (VCV001456905.8), dbSNP rs1562519380, ClinGen allele CA571907725.
Genomic context (GRCh38, chr6:161,548,965, plus strand): 5'-CTCCGGCAGCAGCCCCGCTCCACAGCCAGGGCGGGGGCATAACACGCCCCCCATCTGCAG[GA>G]CACACTCCTCTGCACCATACTGCTGGTACCGGTTGTACTGCAAAACCCAAAAAGCAGATT-3'

ClinVar aggregate classification (germline): Pathogenic. Review status: criteria provided, single submitter (1 of 4 stars). 2 submissions from 2 submitters: Pathogenic (1). 1 of the submissions does not count toward it. Last evaluated 2021-11-06.

Conditions:
Autosomal recessive juvenile Parkinson disease 2. Also called: PRKN-Related Early-Onset Parkinson Disease; PARKINSON DISEASE, JUVENILE, AUTOSOMAL RECESSIVE; Parkinson disease autosomal recessive, early onset; Juvenile parkinsonism; Parkinsonism, early onset, with diurnal fluctuation; Parkinson disease, juvenile, type 2. Identifiers: Orphanet 2828, MedGen C1868675, MONDO:0010820, OMIM 600116.

Allele frequency attached by ClinVar (database versions not stated): gnomAD exomes below 0.00001.

Submissions (2):

Labcorp Genetics (formerly Invitae), Labcorp
Classification: Pathogenic. Last evaluated: 2021-11-06. Review status: criteria provided, single submitter. Criteria: Invitae Variant Classification Sherloc (09022015). Collection method: clinical testing. Allele origin: germline.
Comment: This variant disrupts a region of the PRKN protein in which other variant(s) (p.Trp445*) have been determined to be pathogenic (PMID: 12707451, 18951541; Invitae). This suggests that this is a clinically significant region of the protein, and that variants that disrupt it are likely to be disease-causing. This premature translational stop signal has been observed in individual(s) with Parkinson disease (PMID: 10894217). It has also been observed to segregate with disease in related individuals. This variant is present in population databases (no rsID available, gnomAD 0.0009%). This sequence change creates a premature translational stop signal (p.Val324Alafs*111) in the PRKN gene. While this is not anticipated to result in nonsense mediated decay, it is expected to disrupt the last 142 amino acid(s) of the PRKN protein. For these reasons, this variant has been classified as Pathogenic.

OMIM
Classification: Pathogenic for PARKINSON DISEASE 2, AUTOSOMAL RECESSIVE JUVENILE. Last evaluated: 2005-09-01. Review status: no assertion criteria provided. Collection method: literature only. Allele origin: germline. Not counted in ClinVar's aggregate classification.

Literature cited by the submitters: PubMed 12707451 (cited by Labcorp Genetics (formerly Invitae), Labcorp); PubMed 18951541 (cited by Labcorp Genetics (formerly Invitae), Labcorp); PubMed 10894217 (cited by Labcorp Genetics (formerly Invitae), Labcorp and OMIM); PubMed 16130111 (cited by OMIM).